The following is an entry in ClinVar:

ClinVar aggregate classification (germline): Uncertain significance (1 of 4 stars; one submission).

Conditions:
Cardiovascular phenotype. Identifiers: MedGen CN230736.

Submission:

Ambry Genetics
Classification: Uncertain significance for Cardiovascular phenotype. Last evaluated: 2026-07-24. Review status: criteria provided, single submitter. Criteria: Ambry Variant Classification Scheme 2023. Collection method: clinical testing. Allele origin: germline.
Comment: The p.A598V variant (also known as c.1793C>T), located in coding exon 12 of the SCN10A gene, results from a C to T substitution at nucleotide position 1793. The alanine at codon 598 is replaced by valine, an amino acid with similar properties. This amino acid position is conserved. In addition, the in silico prediction for this alteration is inconclusive. Based on the available evidence, the clinical significance of this variant remains unclear.

NM_006514.4(SCN10A):c.1793C>T (p.Ala598Val)

Gene: SCN10A (sodium voltage-gated channel alpha subunit 10; minus strand). Cytogenetic location: 3p22.2.
Variant type: single nucleotide variant.
Coding change: c.1793C>T on transcript NM_006514.4 (MANE Select); coding-DNA position 1793, C replaced by T.
Protein change: p.Ala598Val; replaces alanine 598 with valine.
Molecular consequence: missense variant.
Genome position (GRCh38, 1-based): chr3:38,750,147, G>A on the plus strand (C>T on the coding strand, the complement: SCN10A is on the minus strand). VCF-style: chr3-38750147-G-A. GRCh37 (hg19) VCF-style: chr3-38791638-G-A.
Other names: c.1793C>T, p.Ala598Val (NM_001293306.2); c.1499C>T, p.Ala500Val (NM_001293307.2); short protein forms A500V, A598V.
Identifiers: ClinVar variation 5029089 (VCV005029089.1).
Genomic context (GRCh38, chr3:38,750,147, plus strand): 5'-GTTATGATACTGACAACACTCATTGCCCTTTGGGCCCGGAAAGGTTCATCTAAGTATTCT[G>A]CTGACAAGAAAGTCTTCTTTTGTCCTGCATCGAATGCCTGTTGAGACACAAACAGAGTCA-3'
Protein context (NP_006505.4, residues 588-608): DAGQKKTFLS[Ala598Val]EYLDEPFRAQ